The following is an entry in ClinVar:

NM_001382430.1(AKT1):c.1364-10A>G

Gene: AKT1 (AKT serine/threonine kinase 1; minus strand). Cytogenetic location: 14q32.33.
Variant type: single nucleotide variant.
Coding change: c.1364-10A>G on transcript NM_001382430.1 (MANE Select); 10 bases into the intron before coding-DNA position 1364, A replaced by G.
Molecular consequence: intron variant.
Genome position (GRCh38, 1-based): chr14:104,770,430, T>C on the plus strand (A>G on the coding strand, the complement: AKT1 is on the minus strand). VCF-style: chr14-104770430-T-C. GRCh37 (hg19) VCF-style: chr14-105236767-T-C.
Other names: c.1364-10A>G (NM_001014431.2, NM_001014432.2, NM_001382433.1 and 3 more transcripts).
Identifiers: ClinVar variation 696737 (VCV000696737.11), dbSNP rs755530413, ClinGen allele CA7374450.

ClinVar aggregate classification (germline): Likely benign. Review status: criteria provided, single submitter (1 of 4 stars). 2 submissions from 2 submitters: Likely benign (1). 1 of the submissions does not count toward it. Last evaluated 2025-02-11.

Conditions:
Cowden syndrome 6 (CWS6). Identifiers: Orphanet 201, MedGen C3554519, MONDO:0014048, OMIM 615109.
AKT1-related disorder. Also called: AKT1-related condition.

Allele frequency attached by ClinVar (database versions not stated): gnomAD 0.00003; gnomAD exomes 0.00004 and 0.00005; ExAC 0.00009; TOPMed 0.00004.
gnomAD v4.1: 65 of 1,590,438 alleles (0.0041%); highest among the groups gnomAD compares: Non-Finnish European, 0.0033%; no homozygotes.

Submissions (2):

Labcorp Genetics (formerly Invitae), Labcorp
Classification: Likely benign for Cowden syndrome 6. Last evaluated: 2025-02-11. Review status: criteria provided, single submitter. Criteria: Invitae Variant Classification Sherloc (09022015). Collection method: clinical testing. Allele origin: germline.

PreventionGenetics, part of Exact Sciences
Classification: Likely benign for AKT1-related condition. Last evaluated: 2019-06-17. Review status: no assertion criteria provided. Collection method: clinical testing. Allele origin: germline. Not counted in ClinVar's aggregate classification.
Comment: This variant is classified as likely benign based on ACMG/AMP sequence variant interpretation guidelines (Richards et al. 2015 PMID: 25741868, with internal and published modifications).